The following is an entry in ClinVar:

ClinVar aggregate classification (germline): Uncertain significance (1 of 4 stars; one submission).

Conditions:
Hereditary cancer-predisposing syndrome. Also called: Tumor predisposition; Neoplastic Syndromes, Hereditary; Hereditary neoplastic syndrome; Hereditary Cancer Syndrome. Identifiers: Orphanet 140162, MedGen C0027672, MeSH D009386, MONDO:0015356.

Submission:

Ambry Genetics
Classification: Uncertain significance for Hereditary cancer-predisposing syndrome. Last evaluated: 2025-08-27. Review status: criteria provided, single submitter. Criteria: Ambry Variant Classification Scheme 2023. Collection method: clinical testing. Allele origin: germline.
Comment: The p.V443L variant (also known as c.1327G>C), located in coding exon 14 of the MUTYH gene, results from a G to C substitution at nucleotide position 1327. The valine at codon 443 is replaced by leucine, an amino acid with highly similar properties. This amino acid position is conserved. In addition, the in silico prediction for this alteration is inconclusive. Based on the available evidence, the clinical significance of this variant remains unclear.

NM_001048174.2(MUTYH):c.1243G>C (p.Val415Leu)

Gene: MUTYH (mutY DNA glycosylase; minus strand). Cytogenetic location: 1p34.1.
Variant type: single nucleotide variant.
Coding change: c.1243G>C on transcript NM_001048174.2 (MANE Select); coding-DNA position 1243, G replaced by C.
Protein change: p.Val415Leu; replaces valine 415 with leucine.
Molecular consequence: missense variant. On other transcripts: non-coding transcript variant (7).
Genome position (GRCh38, 1-based): chr1:45,331,331, C>G on the plus strand (G>C on the coding strand, the complement: MUTYH is on the minus strand). VCF-style: chr1-45331331-C-G. GRCh37 (hg19) VCF-style: chr1-45797003-C-G.
Other names: c.1327G>C, p.Val443Leu (NM_001128425.2); c.1288G>C, p.Val430Leu (NM_001293190.2); c.1276G>C, p.Val426Leu (NM_001293191.2, NM_001407069.1, NM_001407077.1); c.967G>C, p.Val323Leu (NM_001293192.2, NM_001293196.2, NM_001407091.1); c.1243G>C, p.Val415Leu (NM_001293195.2, NM_001407088.1, NM_001407089.1 and 6 more transcripts); c.898G>C, p.Val300Leu (NM_001350650.2, NM_001350651.2, NM_001407082.1); c.1285G>C, p.Val429Leu (NM_001407083.1, NM_001407085.1); c.1246G>C, p.Val416Leu (NM_001407086.1, NM_001048172.2, NM_001407071.1 and 1 more transcripts); and 5 more; short protein forms V387L, V416L, V426L, V440L, V443L, V300L, V323L, V422L.
Identifiers: ClinVar variation 4113177 (VCV004113177.1).